The following is an entry in ClinVar:

ClinVar aggregate classification (germline): Benign/Likely benign. Review status: criteria provided, multiple submitters, no conflicts (2 of 4 stars). 2 submissions from 2 submitters: Benign (1); Likely benign (1). Last evaluated 2025-05-13.

Conditions:
Tuberous sclerosis 2 (TSC2). Identifiers: Orphanet 805, MedGen C1860707, MONDO:0013199, OMIM 613254.

Allele frequency attached by ClinVar (database versions not stated): gnomAD exomes below 0.00001.
gnomAD v4.1: 5 of 1,614,138 alleles (0.00031%); highest among the groups gnomAD compares: Middle Eastern, 0.016%; no homozygotes.

Submissions (2):

Myriad Genetics, Inc.
Classification: Benign for Tuberous sclerosis 2. Last evaluated: 2025-05-13. Review status: criteria provided, single submitter. Criteria: Myriad Autosomal Dominant, Autosomal Recessive and X-Linked Classification Criteria (2023). Collection method: clinical testing. Allele origin: unknown.
Comment: This variant is considered benign. This variant is a silent/synonymous amino acid change and it is not expected to impact splicing.

Labcorp Genetics (formerly Invitae), Labcorp
Classification: Likely benign for Tuberous sclerosis 2. Last evaluated: 2025-02-05. Review status: criteria provided, single submitter. Criteria: Invitae Variant Classification Sherloc (09022015). Collection method: clinical testing. Allele origin: germline.

NM_000548.5(TSC2):c.1050G>A (p.Arg350=)

Gene: TSC2 (TSC complex subunit 2; plus strand). Cytogenetic location: 16p13.3.
Variant type: single nucleotide variant.
Coding change: c.1050G>A on transcript NM_000548.5 (MANE Select); coding-DNA position 1050, G replaced by A.
Protein change: p.Arg350=; no amino-acid change (arginine 350 retained).
Molecular consequence: synonymous variant.
Genome position (GRCh38, 1-based): chr16:2,060,744, G>A. VCF-style: chr16-2060744-G-A. GRCh37 (hg19) VCF-style: chr16-2110745-G-A.
Other names: c.1050G>A, p.Arg350= (NM_001077183.3, NM_001114382.3, NM_001363528.2 and 3 more transcripts); c.939G>A, p.Arg313= (NM_001318827.2); c.903G>A, p.Arg301= (NM_001318829.2); c.450G>A, p.Arg150= (NM_001318831.2); c.1083G>A, p.Arg361= (NM_001318832.2).
Identifiers: ClinVar variation 1118191 (VCV001118191.10), dbSNP rs1371264521, ClinGen allele CA492960898.